The following is an entry in ClinVar:

NM_012470.4(TNPO3):c.796G>A (p.Ala266Thr)

Gene: TNPO3 (transportin 3; minus strand). Cytogenetic location: 7q32.1.
Variant type: single nucleotide variant.
Coding change: c.796G>A on transcript NM_012470.4 (MANE Select); coding-DNA position 796, G replaced by A.
Protein change: p.Ala266Thr; replaces alanine 266 with threonine.
Molecular consequence: missense variant. On other transcripts: non-coding transcript variant (18).
Genome position (GRCh38, 1-based): chr7:129,001,135, C>T on the plus strand (G>A on the coding strand, the complement: TNPO3 is on the minus strand). VCF-style: chr7-129001135-C-T. GRCh37 (hg19) VCF-style: chr7-128641189-C-T.
Other names: c.796G>A, p.Ala266Thr (NM_001191028.3, NM_001382216.1, NM_001382218.1 and 4 more transcripts); c.877G>A, p.Ala293Thr (NM_001382217.1); c.652G>A, p.Ala218Thr (NM_001382221.1); short protein forms A218T, A293T, A266T.
Identifiers: ClinVar variation 1503549 (VCV001503549.6), dbSNP rs2150379239, ClinGen allele CA369238932.
Genomic context (GRCh38, chr7:129,001,135, plus strand): 5'-GTGCCACGGCCATATGATAGGCAGTCTCCAATGTCAGCACTCCCTGAAAAAGTTGCATGG[C>T]TAATGGCAAGTTAGTCTCCACATTCTCAATGGCATAGAGAGCTGAGCATACACAGTCCGA-3'
Protein context (NP_036602.1, residues 256-276): IENVETNLPL[Ala266Thr]MQLFQGVLTL

ClinVar aggregate classification (germline): Uncertain significance (1 of 4 stars; one submission).

Conditions:
Autosomal dominant limb-girdle muscular dystrophy type 1F (LGMDD2). Also called: MUSCULAR DYSTROPHY, LIMB-GIRDLE, AUTOSOMAL DOMINANT 2; Limb-girdle muscular dystrophy, type 1F. Identifiers: Orphanet 55595, MedGen C1842062, MONDO:0012034, OMIM 608423.

Submission:

Labcorp Genetics (formerly Invitae), Labcorp
Classification: Uncertain significance for Autosomal dominant limb-girdle muscular dystrophy type 1F. Last evaluated: 2022-10-18. Review status: criteria provided, single submitter. Criteria: Invitae Variant Classification Sherloc (09022015). Collection method: clinical testing. Allele origin: germline.
Comment: This sequence change replaces alanine, which is neutral and non-polar, with threonine, which is neutral and polar, at codon 266 of the TNPO3 protein (p.Ala266Thr). This variant is not present in population databases (gnomAD no frequency). This variant has not been reported in the literature in individuals affected with TNPO3-related conditions. ClinVar contains an entry for this variant (Variation ID: 1503549). Advanced modeling of protein sequence and biophysical properties (such as structural, functional, and spatial information, amino acid conservation, physicochemical variation, residue mobility, and thermodynamic stability) performed at Invitae indicates that this missense variant is not expected to disrupt TNPO3 protein function. Algorithms developed to predict the effect of sequence changes on RNA splicing suggest that this variant may disrupt the consensus splice site. In summary, the available evidence is currently insufficient to determine the role of this variant in disease. Therefore, it has been classified as a Variant of Uncertain Significance.